The following is an entry in ClinVar:

NM_000256.3(MYBPC3):c.3779G>A (p.Gly1260Asp)

Gene: MYBPC3 (myosin binding protein C3; minus strand). Cytogenetic location: 11p11.2.
Variant type: single nucleotide variant.
Coding change: c.3779G>A on transcript NM_000256.3 (MANE Select); coding-DNA position 3779, G replaced by A.
Protein change: p.Gly1260Asp; replaces glycine 1260 with aspartic acid.
Molecular consequence: missense variant.
Genome position (GRCh38, 1-based): chr11:47,332,107, C>T on the plus strand (G>A on the coding strand, the complement: MYBPC3 is on the minus strand). VCF-style: chr11-47332107-C-T. GRCh37 (hg19) VCF-style: chr11-47353658-C-T.
Other names: p.G1260D:GGC>GAC; c.3779G>A, p.Gly1260Asp (LRG_386t1); short protein forms G1260D.
Identifiers: ClinVar variation 181025 (VCV000181025.17), dbSNP rs730880606, ClinGen allele CA014871.

ClinVar aggregate classification (germline): Uncertain significance. Review status: criteria provided, multiple submitters, no conflicts (2 of 4 stars). 4 submissions from 4 submitters: Uncertain significance (4). Last evaluated 2025-08-13.

Conditions:
Cardiovascular phenotype. Identifiers: MedGen CN230736.
Hypertrophic cardiomyopathy. Also called: HYPERTROPHIC MYOCARDIOPATHY. Identifiers: Orphanet 217569, MedGen C0007194, MeSH D002312, MONDO:0005045, HP:0001639.

Allele frequency attached by ClinVar (database versions not stated): gnomAD exomes below 0.00001; gnomAD 0.00003.
gnomAD v4.1: 2 of 1,613,370 alleles (0.00012%); highest among the groups gnomAD compares: Admixed American, 0.0033%; no homozygotes.

Submissions (4):

Ambry Genetics
Classification: Uncertain significance for Cardiovascular phenotype. Last evaluated: 2025-08-13. Review status: criteria provided, single submitter. Criteria: Ambry Variant Classification Scheme 2023. Collection method: clinical testing. Allele origin: germline.
Comment: The p.G1260D variant (also known as c.3779G>A), located in coding exon 33 of the MYBPC3 gene, results from a G to A substitution at nucleotide position 3779. The glycine at codon 1260 is replaced by aspartic acid, an amino acid with similar properties. This alteration was reported in a proband with dilated cardiomyopathy (DCM) who also carried a second alteration in MYBPC3 (Hershberger RE et al. Circ Cardiovasc Genet, 2010 Apr;3:155-61). This amino acid position is highly conserved in available vertebrate species. In addition, this alteration is predicted to be deleterious by in silico analysis. Based on the available evidence, the clinical significance of this variant remains unclear.

Labcorp Genetics (formerly Invitae), Labcorp
Classification: Uncertain significance for Hypertrophic cardiomyopathy. Last evaluated: 2025-06-22. Review status: criteria provided, single submitter. Criteria: Invitae Variant Classification Sherloc (09022015). Collection method: clinical testing. Allele origin: germline.
Comment: This sequence change replaces glycine, which is neutral and non-polar, with aspartic acid, which is acidic and polar, at codon 1260 of the MYBPC3 protein (p.Gly1260Asp). This variant is present in population databases (rs730880606, gnomAD 0.1%). This missense change has been observed in individual(s) with dilated cardiomyopathy (PMID: 20215591). This missense change has been observed to co-occur in individuals with a different variant in MYBPC3 that has been determined to be pathogenic (PMID: 20215591; internal data), but the significance of this finding is unclear. ClinVar contains an entry for this variant (Variation ID: 181025). An algorithm developed to predict the effect of missense changes on protein structure and function (PolyPhen-2) suggests that this variant is likely to be disruptive. In summary, the available evidence is currently insufficient to determine the role of this variant in disease. Therefore, it has been classified as a Variant of Uncertain Significance.

GeneDx
Classification: Uncertain significance. Last evaluated: 2023-03-16. Review status: criteria provided, single submitter. Criteria: GeneDx Variant Classification Process June 2021. Collection method: clinical testing. Allele origin: germline. Affected: yes.
Comment: Reported in one individual with DCM who also harbored the c.3490+1 G>T splice site mutation in the MYBPC3 gene (Hershberger R et al., 2010).; Not observed at significant frequency in large population cohorts (gnomAD); In silico analysis supports that this missense variant has a deleterious effect on protein structure/function; This variant is associated with the following publications: (PMID: 25525159, 20215591)

Stanford Center for Inherited Cardiovascular Disease, Stanford University
Classification: Uncertain significance. Last evaluated: 2016-08-22. Review status: criteria provided, single submitter. Criteria: ACMG Guidelines, 2015. Collection method: provider interpretation. Allele origin: germline.

Literature cited by the submitters: PubMed 20215591 (cited by Ambry Genetics and Labcorp Genetics (formerly Invitae), Labcorp).